The following is an entry in ClinVar:

ClinVar aggregate classification (germline): Uncertain significance (1 of 4 stars; one submission).

gnomAD v4.1: 3 of 1,504,866 alleles (0.0002%); highest among the groups gnomAD compares: Non-Finnish European, 0.00027%; no homozygotes.

Submission:

Ambry Genetics
Classification: Uncertain significance. Last evaluated: 2025-02-09. Review status: criteria provided, single submitter. Criteria: Ambry Variant Classification Scheme 2023. Collection method: clinical testing. Allele origin: germline.
Comment: The p.R1477G variant (also known as c.4429A>G), located in coding exon 14 of the CDK12 gene, results from an A to G substitution at nucleotide position 4429. The arginine at codon 1477 is replaced by glycine, an amino acid with dissimilar properties. This amino acid position is conserved. In addition, this alteration is predicted to be deleterious by in silico analysis. Based on the available evidence, the clinical significance of this variant remains unclear.

NM_016507.4(CDK12):c.4429A>G (p.Arg1477Gly)

Gene: CDK12 (cyclin dependent kinase 12; plus strand). Cytogenetic location: 17q12.
Variant type: single nucleotide variant.
Coding change: c.4429A>G on transcript NM_016507.4 (MANE Select); coding-DNA position 4429, A replaced by G.
Protein change: p.Arg1477Gly; replaces arginine 1477 with glycine.
Molecular consequence: missense variant.
Genome position (GRCh38, 1-based): chr17:39,531,272, A>G. VCF-style: chr17-39531272-A-G. GRCh37 (hg19) VCF-style: chr17-37687525-A-G.
Other names: c.4402A>G, p.Arg1468Gly (NM_015083.4); short protein forms R1477G, R1468G.
Identifiers: ClinVar variation 3830642 (VCV003830642.1).